The following is an entry in ClinVar:

ClinVar aggregate classification (germline): Likely benign (1 of 4 stars; one submission).

Allele frequency attached by ClinVar (database versions not stated): 1000 Genomes Project 30x 0.00047; gnomAD 0.00106; TOPMed 0.00118.

Submission:

GeneDx
Classification: Likely benign. Last evaluated: 2017-01-18. Review status: criteria provided, single submitter. Criteria: GeneDx Variant Classification (06012015). Collection method: clinical testing. Allele origin: germline. Affected: yes.
Comment: This variant is considered likely benign or benign based on one or more of the following criteria: it is a conservative change, it occurs at a poorly conserved position in the protein, it is predicted to be benign by multiple in silico algorithms, and/or has population frequency not consistent with disease.

NM_001614.5(ACTG1):c.-42G>A

Gene: ACTG1 (actin gamma 1; minus strand). Cytogenetic location: 17q25.3.
Variant type: single nucleotide variant.
Coding change: c.-42G>A on transcript NM_001614.5 (MANE Select); 42 bases upstream of the start codon, G replaced by A.
Molecular consequence: 5 prime UTR variant. On other transcripts: non-coding transcript variant (1).
Genome position (GRCh38, 1-based): chr17:81,512,769, C>T on the plus strand (G>A on the coding strand, the complement: ACTG1 is on the minus strand). VCF-style: chr17-81512769-C-T. GRCh37 (hg19) VCF-style: chr17-79479795-C-T.
Other names: c.-161G>A (NM_001199954.3).
Identifiers: ClinVar variation 385524 (VCV000385524.1), dbSNP rs782068009, ClinGen allele CA16607881.
Genomic context (GRCh38, chr17:81,512,769, plus strand): 5'-TCAGGCCCCGGGGCGGGGCGCTCACCGGCAGAGAAACGCGACGGCGGAGCGGCGGAAGAA[C>T]AGAGTGCGAGAGCTGGCAGCGGCGACTGAGACCGACCGCGGCCTCCCCCGCCGTTATTTA-3'